The following is an entry in ClinVar:

NM_001267550.2(TTN):c.33664+20C>T

Gene: TTN (titin; minus strand). Cytogenetic location: 2q31.2.
Variant type: single nucleotide variant.
Coding change: c.33664+20C>T on transcript NM_001267550.2 (MANE Select); 20 bases into the intron after coding-DNA position 33664, C replaced by T.
Molecular consequence: intron variant.
Genome position (GRCh38, 1-based): chr2:178,679,579, G>A on the plus strand (C>T on the coding strand, the complement: TTN is on the minus strand). VCF-style: chr2-178679579-G-A. GRCh37 (hg19) VCF-style: chr2-179544306-G-A.
Other names: c.13283-37262C>T (NM_003319.4); c.13859-37262C>T (NM_133437.4); c.13658-37262C>T (NM_133432.3); c.29932+20C>T (NM_133378.4); c.32713+20C>T (NM_001256850.1).
Identifiers: ClinVar variation 378812 (VCV000378812.10), dbSNP rs762601689, ClinGen allele CA1998280.

ClinVar aggregate classification (germline): Benign/Likely benign. Review status: criteria provided, multiple submitters, no conflicts (2 of 4 stars). 3 submissions from 3 submitters: Benign (1); Likely benign (2). Last evaluated 2025-11-27.

Conditions:
Autosomal recessive limb-girdle muscular dystrophy type 2J (LGMDR10). Also called: MUSCULAR DYSTROPHY, LIMB-GIRDLE, AUTOSOMAL RECESSIVE 10; Limb-girdle muscular dystrophy, type 2J. Identifiers: Orphanet 140922, MedGen C1837342, MONDO:0012127, OMIM 608807.
Dilated cardiomyopathy 1G (CMD1G). Identifiers: Orphanet 154, MedGen C1858763, MONDO:0011400, OMIM 604145.

Allele frequency attached by ClinVar (database versions not stated): gnomAD 0.00003 and 0.00004; TOPMed 0.00003; ExAC 0.00004; gnomAD exomes 0.00004.

Submissions (3):

Labcorp Genetics (formerly Invitae), Labcorp
Classification: Likely benign for Dilated cardiomyopathy 1G; Autosomal recessive limb-girdle muscular dystrophy type 2J. Last evaluated: 2025-11-27. Review status: criteria provided, single submitter. Criteria: Invitae Variant Classification Sherloc (09022015). Collection method: clinical testing. Allele origin: germline.

Blueprint Genetics
Classification: Likely benign. Last evaluated: 2024-10-24. Review status: criteria provided, single submitter. Criteria: ACMG Guidelines, 2015. Collection method: clinical testing. Allele origin: germline.

GeneDx
Classification: Benign. Last evaluated: 2015-09-16. Review status: criteria provided, single submitter. Criteria: GeneDx Variant Classification (06012015). Collection method: clinical testing. Allele origin: germline. Affected: yes.
Comment: This variant is considered likely benign or benign based on one or more of the following criteria: it is a conservative change, it occurs at a poorly conserved position in the protein, it is predicted to be benign by multiple in silico algorithms, and/or has population frequency not consistent with disease.